The following is an entry in ClinVar:

ClinVar aggregate classification (germline): Conflicting classifications of pathogenicity. Review status: criteria provided, conflicting classifications (1 of 4 stars). 3 submissions from 3 submitters: Uncertain significance (2); Likely benign (1). Last evaluated 2026-04-23.

Conditions:
Cardiovascular phenotype. Identifiers: MedGen CN230736.
Osteogenesis imperfecta type I (OI1). Also called: OI, TYPE I; OSTEOGENESIS IMPERFECTA TARDA; OSTEOGENESIS IMPERFECTA WITH BLUE SCLERAE; Osteogenesis imperfecta type 1; Lobstein's Disease; Lobstein disease. Identifiers: Orphanet 216796, Orphanet 666, MedGen C0023931, MONDO:0008146, OMIM 166200. Disease mechanism: loss of function.

Allele frequency attached by ClinVar (database versions not stated): gnomAD 0.00001; TOPMed 0.00001.
gnomAD v4.1: 1 of 1,613,974 alleles (0.000062%); highest among the groups gnomAD compares: Non-Finnish European, 0.000085%; no homozygotes.

Submissions (3):

Ambry Genetics
Classification: Likely benign for Cardiovascular phenotype. Last evaluated: 2026-04-23. Review status: criteria provided, single submitter. Criteria: Ambry Variant Classification Scheme 2023. Collection method: clinical testing. Allele origin: germline.

Labcorp Genetics (formerly Invitae), Labcorp
Classification: Uncertain significance for Osteogenesis imperfecta type I. Last evaluated: 2025-12-17. Review status: criteria provided, single submitter. Criteria: Invitae Variant Classification Sherloc (09022015). Collection method: clinical testing. Allele origin: germline.
Comment: This sequence change replaces aspartic acid, which is acidic and polar, with glutamic acid, which is acidic and polar, at codon 76 of the COL1A1 protein (p.Asp76Glu). This variant is not present in population databases (gnomAD no frequency). This variant has not been reported in the literature in individuals affected with COL1A1-related conditions. ClinVar contains an entry for this variant (Variation ID: 3025654). Invitae Evidence Modeling of protein sequence and biophysical properties (such as structural, functional, and spatial information, amino acid conservation, physicochemical variation, residue mobility, and thermodynamic stability) indicates that this missense variant is not expected to disrupt COL1A1 protein function with a negative predictive value of 95%. In summary, the available evidence is currently insufficient to determine the role of this variant in disease. Therefore, it has been classified as a Variant of Uncertain Significance.

CeGaT Center for Human Genetics Tuebingen
Classification: Uncertain significance. Last evaluated: 2024-12-01. Review status: criteria provided, single submitter. Criteria: CeGaT Center For Human Genetics Tuebingen Variant Classification Criteria Version 2. Collection method: clinical testing. Allele origin: germline. Affected: yes. Observed: 2 variant alleles.
Comment: COL1A1: PM2, BP4

NM_000088.4(COL1A1):c.228C>A (p.Asp76Glu)

Gene: COL1A1 (collagen type I alpha 1 chain; minus strand). Cytogenetic location: 17q21.33.
Variant type: single nucleotide variant.
Coding change: c.228C>A on transcript NM_000088.4 (MANE Select); coding-DNA position 228, C replaced by A.
Protein change: p.Asp76Glu; replaces aspartic acid 76 with glutamic acid.
Molecular consequence: missense variant.
Genome position (GRCh38, 1-based): chr17:50,199,823, G>T on the plus strand (C>A on the coding strand, the complement: COL1A1 is on the minus strand). VCF-style: chr17-50199823-G-T. GRCh37 (hg19) VCF-style: chr17-48277184-G-T.
Other names: short protein forms D76E.
Identifiers: ClinVar variation 3025654 (VCV003025654.24), dbSNP rs1314366641, ClinGen allele CA400228233.